The following is an entry in ClinVar:

ClinVar aggregate classification (germline): Uncertain significance (1 of 4 stars; one submission).

gnomAD v4.1: 8 of 1,546,134 alleles (0.00052%); highest among the groups gnomAD compares: Middle Eastern, 0.017%; no homozygotes.

Submission:

Labcorp Genetics (formerly Invitae), Labcorp
Classification: Uncertain significance. Last evaluated: 2024-07-15. Review status: criteria provided, single submitter. Criteria: Invitae Variant Classification Sherloc (09022015). Collection method: clinical testing. Allele origin: germline.
Comment: This sequence change replaces glycine, which is neutral and non-polar, with tryptophan, which is neutral and slightly polar, at codon 11 of the PITRM1 protein (p.Gly11Trp). This variant is not present in population databases (gnomAD no frequency). This variant has not been reported in the literature in individuals affected with PITRM1-related conditions. An algorithm developed to predict the effect of missense changes on protein structure and function (PolyPhen-2) suggests that this variant is likely to be disruptive. In summary, the available evidence is currently insufficient to determine the role of this variant in disease. Therefore, it has been classified as a Variant of Uncertain Significance.

NM_014889.4(PITRM1):c.24G>T (p.Gln8His)

Genes: PITRM1 (pitrilysin metallopeptidase 1; minus strand), LOC130003177 (ATAC-STARR-seq lymphoblastoid silent region 2073; plus strand). Cytogenetic location: 10p15.2.
Variant type: single nucleotide variant.
Coding change: c.24G>T on transcript NM_014889.4 (MANE Select); coding-DNA position 24, G replaced by T.
Protein change: p.Gln8His; replaces glutamine 8 with histidine.
Molecular consequence: missense variant. On other transcripts: 5 prime UTR variant (3), non-coding transcript variant (4).
Genome position (GRCh38, 1-based): chr10:3,172,749, C>A on the plus strand (G>T on the coding strand, the complement: PITRM1 is on the minus strand). VCF-style: chr10-3172749-C-A. GRCh37 (hg19) VCF-style: chr10-3214941-C-A.
Other names: c.24G>T, p.Gln8His (NM_001242307.2, NM_001347725.2); c.31G>T, p.Gly11Trp (NM_001242309.1); c.-548G>T (NM_001347726.2, NM_001347727.2); c.-1277G>T (NM_001347728.2); short protein forms G11W, Q8H.
Identifiers: ClinVar variation 3610140 (VCV003610140.2).